The following is an entry in ClinVar:

ClinVar aggregate classification (germline): Uncertain significance (1 of 4 stars; one submission).

Allele frequency attached by ClinVar (database versions not stated): gnomAD exomes 0.00003 and 0.00006; gnomAD 0.00004 and 0.00005; TOPMed 0.00005; ExAC 0.00006; ESP Exome Variant Server 0.00008.

Submission:

Labcorp Genetics (formerly Invitae), Labcorp
Classification: Uncertain significance. Last evaluated: 2024-05-29. Review status: criteria provided, single submitter. Criteria: Invitae Variant Classification Sherloc (09022015). Collection method: clinical testing. Allele origin: germline.
Comment: This sequence change replaces lysine, which is basic and polar, with glutamic acid, which is acidic and polar, at codon 430 of the NSUN2 protein (p.Lys430Glu). This variant is present in population databases (rs369182568, gnomAD 0.01%). This variant has not been reported in the literature in individuals affected with NSUN2-related conditions. ClinVar contains an entry for this variant (Variation ID: 1383184). Advanced modeling of protein sequence and biophysical properties (such as structural, functional, and spatial information, amino acid conservation, physicochemical variation, residue mobility, and thermodynamic stability) performed at Invitae indicates that this missense variant is not expected to disrupt NSUN2 protein function with a negative predictive value of 80%. In summary, the available evidence is currently insufficient to determine the role of this variant in disease. Therefore, it has been classified as a Variant of Uncertain Significance.

NM_017755.6(NSUN2):c.1288A>G (p.Lys430Glu)

Gene: NSUN2 (NOP2/Sun RNA methyltransferase 2; minus strand). Cytogenetic location: 5p15.31.
Variant type: single nucleotide variant.
Coding change: c.1288A>G on transcript NM_017755.6 (MANE Select); coding-DNA position 1288, A replaced by G.
Protein change: p.Lys430Glu; replaces lysine 430 with glutamic acid.
Molecular consequence: missense variant. On other transcripts: non-coding transcript variant (1).
Genome position (GRCh38, 1-based): chr5:6,609,861, T>C on the plus strand (A>G on the coding strand, the complement: NSUN2 is on the minus strand). VCF-style: chr5-6609861-T-C. GRCh37 (hg19) VCF-style: chr5-6609974-T-C.
Other names: c.1183A>G, p.Lys395Glu (NM_001193455.2); short protein forms K395E, K430E.
Identifiers: ClinVar variation 1383184 (VCV001383184.5), dbSNP rs369182568, ClinGen allele CA3192484.